The following is an entry in ClinVar:

NM_000166.6(GJB1):c.121G>A (p.Glu41Lys)

Gene: GJB1 (gap junction protein beta 1; plus strand). Cytogenetic location: Xq13.1.
Variant type: single nucleotide variant.
Coding change: c.121G>A on transcript NM_000166.6 (MANE Select); coding-DNA position 121, G replaced by A.
Protein change: p.Glu41Lys; replaces glutamic acid 41 with lysine.
Molecular consequence: missense variant.
Genome position (GRCh38, 1-based): chrX:71,223,828, G>A. VCF-style: chrX-71223828-G-A. GRCh37 (hg19) VCF-style: chrX-70443678-G-A.
Other names: c.121G>A, p.Glu41Lys (NM_001097642.3); short protein forms E41K.
Identifiers: ClinVar variation 637133 (VCV000637133.10), dbSNP rs1602348796, ClinGen allele CA413500999.

ClinVar aggregate classification (germline): Uncertain significance. Review status: criteria provided, single submitter (1 of 4 stars). 2 submissions from 2 submitters: Uncertain significance (1). 1 of the submissions does not count toward it. Last evaluated 2022-07-19.

Conditions:
Charcot-Marie-Tooth disease. Also called: Charcot-Marie-Tooth Hereditary Neuropathy; Charcot-Marie-Tooth Neuropathy. Identifiers: Orphanet 166, MedGen C0007959, MONDO:0015626.
Charcot-Marie-Tooth Neuropathy X. Identifiers: MedGen CN118851.

Submissions (2):

Labcorp Genetics (formerly Invitae), Labcorp
Classification: Uncertain significance for Charcot-Marie-Tooth Neuropathy X. Last evaluated: 2022-07-19. Review status: criteria provided, single submitter. Criteria: Invitae Variant Classification Sherloc (09022015). Collection method: clinical testing. Allele origin: germline.
Comment: This variant disrupts the p.Glu41 amino acid residue in GJB1. Other variant(s) that disrupt this residue have been observed in individuals with GJB1-related conditions (PMID: 16688595; Invitae), which suggests that this may be a clinically significant amino acid residue. In summary, the available evidence is currently insufficient to determine the role of this variant in disease. Therefore, it has been classified as a Variant of Uncertain Significance. ClinVar contains an entry for this variant (Variation ID: 637133). This sequence change replaces glutamic acid, which is acidic and polar, with lysine, which is basic and polar, at codon 41 of the GJB1 protein (p.Glu41Lys). This variant is not present in population databases (gnomAD no frequency). This missense change has been observed in individual(s) with clinical features of GJB1-related conditions (Invitae). Algorithms developed to predict the effect of missense changes on protein structure and function are either unavailable or do not agree on the potential impact of this missense change (SIFT: "Deleterious"; PolyPhen-2: "Probably Damaging"; Align-GVGD: "Class C0").

Inherited Neuropathy Consortium
Classification: Uncertain significance for Charcot-Marie-Tooth disease. Review status: no assertion criteria provided. Collection method: literature only. Allele origin: germline. Affected: yes. Not counted in ClinVar's aggregate classification.

Literature cited by the submitters: PubMed 16688595 (cited by Labcorp Genetics (formerly Invitae), Labcorp); PubMed 9361298 (cited by Inherited Neuropathy Consortium).